The following is an entry in ClinVar:

ClinVar aggregate classification (germline): Benign/Likely benign. Review status: criteria provided, multiple submitters, no conflicts (2 of 4 stars). 4 submissions from 4 submitters: Benign (3); Likely benign (1). Last evaluated 2026-01-28.

Conditions:
Anemia, congenital dyserythropoietic, type IVa. Also called: Congenital dyserythropoietic anemia type 4; Congenital dyserythropoietic anemia, type IV; CDA, TYPE IVa. Identifiers: Orphanet 293825, MedGen C3150926, MONDO:0013355, OMIM 613673.

Allele frequency attached by ClinVar (database versions not stated): 1000 Genomes Project 0.01438; 1000 Genomes Project 30x 0.01546; ESP Exome Variant Server 0.02093; gnomAD exomes 0.01256 and 0.01190; ExAC 0.01341; gnomAD 0.01935 and 0.02025; TOPMed 0.02169.

Submissions (4):

Labcorp Genetics (formerly Invitae), Labcorp
Classification: Benign. Last evaluated: 2026-01-28. Review status: criteria provided, single submitter. Criteria: Invitae Variant Classification Sherloc (09022015). Collection method: clinical testing. Allele origin: germline.

Mayo Clinic Laboratories, Mayo Clinic
Classification: Likely benign. Last evaluated: 2025-03-17. Review status: criteria provided, single submitter. Criteria: ACMG Guidelines, 2015. Collection method: clinical testing. Allele origin: germline. Observed: 79 variant alleles.

Illumina Laboratory Services, Illumina
Classification: Benign for Anemia, congenital dyserythropoietic, type IVa. Last evaluated: 2018-01-13. Review status: criteria provided, single submitter. Criteria: ICSL Variant Classification Criteria 13 December 2019. Collection method: clinical testing. Allele origin: germline.
Comment: This variant was observed in the ICSL laboratory as part of a predisposition screen in an ostensibly healthy population. It had not been previously curated by ICSL or reported in the Human Gene Mutation Database (HGMD: prior to June 1st, 2018), and was therefore a candidate for classification through an automated scoring system. Utilizing variant allele frequency, disease prevalence and penetrance estimates, and inheritance mode, an automated score was calculated to assess if this variant is too frequent to cause the disease. Based on the score and internal cut-off values, a variant classified as benign is not then subjected to further curation. The score for this variant resulted in a classification of benign for this disease.

Breakthrough Genomics
Classification: Benign. Review status: criteria provided, single submitter. Criteria: ACMG Guidelines, 2015. Collection method: not provided. Allele origin: germline. Inheritance: Autosomal dominant inheritance. Affected: yes.

NM_006563.5(KLF1):c.115A>C (p.Met39Leu)

Genes: KLF1 (KLF transcription factor 1; minus strand), LOC117125592 (CRISPRi-FlowFISH-validated CALR, DHPS, JUNB, PRDX2, RAD23A, RNASEH2A and WDR83OS regulatory element; plus strand). Cytogenetic location: 19p13.13.
Variant type: single nucleotide variant.
Coding change: c.115A>C on transcript NM_006563.5 (MANE Select); coding-DNA position 115, A replaced by C.
Protein change: p.Met39Leu; replaces methionine 39 with leucine.
Molecular consequence: missense variant.
Genome position (GRCh38, 1-based): chr19:12,886,115, T>G on the plus strand (A>C on the coding strand, the complement: KLF1 is on the minus strand). VCF-style: chr19-12886115-T-G. GRCh37 (hg19) VCF-style: chr19-12996929-T-G.
Other names: p.Met39Leu; short protein forms M39L.
Identifiers: ClinVar variation 328325 (VCV000328325.14), dbSNP rs112631212, ClinGen allele CA9234100.
Genomic context (GRCh38, chr19:12,886,115, plus strand): 5'-GCTGGTCCTCAGACTTCACGTGGAGGGGCGGCTCCGTGGGGTCAGGAGGACCCGGGCCCA[T>G]GTCCTGCGCCTCTTCGGAGCGCCACCACTGCGGGAGGGAGCAGGCAGCTCGAGGTTCGGT-3'
Protein context (NP_006554.1, residues 29-49): KWWRSEEAQD[Met39Leu]GPGPPDPTEP